The following is an entry in ClinVar:

ClinVar aggregate classification (germline): Likely benign (1 of 4 stars; one submission).

Submission:

CeGaT Center for Human Genetics Tuebingen
Classification: Likely benign. Last evaluated: 2024-08-01. Review status: criteria provided, single submitter. Criteria: CeGaT Center For Human Genetics Tuebingen Variant Classification Criteria Version 2. Collection method: clinical testing. Allele origin: germline. Affected: yes. Observed: 1 variant allele.
Comment: FCGBP: BS1

NM_003890.3(FCGBP):c.9913G>A (p.Gly3305Arg)

Gene: FCGBP (Fc gamma binding protein; minus strand). Cytogenetic location: 19q13.2.
Variant type: single nucleotide variant.
Coding change: c.9913G>A on transcript NM_003890.3 (MANE Select); coding-DNA position 9913, G replaced by A.
Protein change: p.Gly3305Arg; replaces glycine 3305 with arginine.
Molecular consequence: missense variant.
Genome position (GRCh38, 1-based): chr19:39,893,057, C>T on the plus strand (G>A on the coding strand, the complement: FCGBP is on the minus strand). VCF-style: chr19-39893057-C-T. GRCh37 (hg19) VCF-style: chr19-40383697-C-T.
Other names: short protein forms G3305R.
Identifiers: ClinVar variation 3341729 (VCV003341729.16).